The following is an entry in ClinVar:

ClinVar aggregate classification (germline): Pathogenic. Review status: criteria provided, multiple submitters, no conflicts (2 of 4 stars). 2 submissions from 2 submitters: Pathogenic (2). Last evaluated 2020-03-23.

Conditions:
Coffin-Siris syndrome 1 (CSS1). Also called: ARID1B-Related Coffin-Siris Syndrome; Mental retardation, autosomal dominant 12. Identifiers: Orphanet 1465, MedGen C3281201, MONDO:0007617, OMIM 135900. Disease mechanism: gain of function.

Submissions (2):

Revvity Omics, Revvity
Classification: Pathogenic for Coffin-Siris syndrome 1. Last evaluated: 2020-03-23. Review status: criteria provided, single submitter. Criteria: ACMG Guidelines, 2015. Collection method: clinical testing. Allele origin: germline.

GeneDx
Classification: Pathogenic. Last evaluated: 2018-04-20. Review status: criteria provided, single submitter. Criteria: GeneDx Variant Classification (06012015). Collection method: clinical testing. Allele origin: germline. Affected: yes.
Comment: The c.5965_5966delAA variant in the ARID1B gene has not been reported previously as a pathogenic variant nor as a benign variant, to our knowledge. The c.5965_5966delAA variant causes a frameshift starting with codon Lysine 1989, changes this amino acid to an Alanine residue, and creates a premature Stop codon at position 7 of the new reading frame, denoted p.Lys1989AlafsX7. This variant is predicted to cause loss of normal protein function through protein truncation. The c.5965_5966delAA variant is not observed in large population cohorts (Lek et al., 2016). We interpret c.5965_5966delAA as a pathogenic variant,

NM_001374828.1(ARID1B):c.6334_6335del (p.Lys2112fs)

Gene: ARID1B (AT-rich interaction domain 1B; plus strand). Cytogenetic location: 6q25.3.
Variant type: Deletion.
Coding change: c.6334_6335del on transcript NM_001374828.1 (MANE Select); coding-DNA positions 6334 to 6335, 2 bases deleted (AA; older notation c.6334_6335delAA).
Protein change: p.Lys2112fs; shifts the reading frame from lysine 2112.
Molecular consequence: frameshift variant.
Genome position (GRCh38, 1-based): chr6:157,207,106-157,207,107, AA deleted; deleting any 2 consecutive bases within chr6:157,207,105-157,207,107 gives the same sequence; the c. name uses the placement nearest the transcript's 3' end. VCF-style (leftmost placement, unchanged base first): chr6-157207104-GAA-G. GRCh37 (hg19) VCF-style: chr6-157528238-GAA-G.
Other names: c.5965_5966delAA (NM_020732.3); c.3835_3836del, p.Lys1279fs (NM_001363725.2); c.6214_6215del, p.Lys2072fs (NM_001371656.1, NM_001374820.1); c.6175_6176del, p.Lys2059fs (NM_017519.3); c.5965_5966del (NM_020732.3); short protein forms K1279fs, K2059fs, K2072fs, K2112fs.
Identifiers: ClinVar variation 524095 (VCV000524095.5), dbSNP rs1554237785, ClinGen allele CA658796866.
Genomic context (GRCh38, chr6:157,207,104, plus strand): 5'-ATCCAGGCCTGGTGCTGATCCTGGGGAAGCTGATTCTTCTTCACCACGAGCATCCAGAGA[GAA>G]AGCGAGCACCGCAGACCTATGAGAAAGAGGAGGATGAGGACAAGGGGGTGGCCTGCAGCA-3'